The following is an entry in ClinVar:

NM_003824.4(FADD):c.248A>G (p.Glu83Gly)

Genes: FADD (Fas associated via death domain; plus strand), LOC130006295 (ATAC-STARR-seq lymphoblastoid silent region 3699; plus strand). Cytogenetic location: 11q13.3.
Variant type: single nucleotide variant.
Coding change: c.248A>G on transcript NM_003824.4 (MANE Select); coding-DNA position 248, A replaced by G.
Protein change: p.Glu83Gly; replaces glutamic acid 83 with glycine.
Molecular consequence: missense variant.
Genome position (GRCh38, 1-based): chr11:70,203,707, A>G. VCF-style: chr11-70203707-A-G. GRCh37 (hg19) VCF-style: chr11-70049813-A-G.
Other names: short protein forms E83G.
Identifiers: ClinVar variation 954644 (VCV000954644.9), dbSNP rs754171351, ClinGen allele CA6158432.

ClinVar aggregate classification (germline): Uncertain significance (1 of 4 stars; one submission).

Conditions:
FADD-related immunodeficiency. Also called: Infections, recurrent, with encephalopathy, hepatic dysfunction, and cardiovascular malformations; FADD DEFICIENCY. Identifiers: Orphanet 306550, MedGen C3151062, MONDO:0013408, OMIM 613759.

Allele frequency attached by ClinVar (database versions not stated): gnomAD 0.00001; gnomAD exomes 0.00001; ExAC 0.00001.
gnomAD v4.1: 11 of 1,451,774 alleles (0.00076%); highest among the groups gnomAD compares: Admixed American, 0.0028%; no homozygotes.

Submission:

Labcorp Genetics (formerly Invitae), Labcorp
Classification: Uncertain significance for FADD-related immunodeficiency. Last evaluated: 2022-07-29. Review status: criteria provided, single submitter. Criteria: Invitae Variant Classification Sherloc (09022015). Collection method: clinical testing. Allele origin: germline.
Comment: In summary, the available evidence is currently insufficient to determine the role of this variant in disease. Therefore, it has been classified as a Variant of Uncertain Significance. Algorithms developed to predict the effect of missense changes on protein structure and function are either unavailable or do not agree on the potential impact of this missense change (SIFT: "Tolerated"; PolyPhen-2: "Probably Damaging"; Align-GVGD: "Class C0"). ClinVar contains an entry for this variant (Variation ID: 954644). This variant has not been reported in the literature in individuals affected with FADD-related conditions. The frequency data for this variant in the population databases is considered unreliable, as metrics indicate poor data quality at this position in the gnomAD database. This sequence change replaces glutamic acid, which is acidic and polar, with glycine, which is neutral and non-polar, at codon 83 of the FADD protein (p.Glu83Gly).